The following is an entry in ClinVar:

ClinVar aggregate classification (germline): Pathogenic. Review status: criteria provided, multiple submitters, no conflicts (2 of 4 stars). 3 submissions from 3 submitters: Pathogenic (3). Last evaluated 2025-09-24.

Conditions:
Familial X-linked hypophosphatemic vitamin D refractory rickets (XLHRD). Also called: X-Linked Hypophosphatemia; HYPOPHOSPHATEMIC VITAMIN D-RESISTANT RICKETS; Hypophosphatemic Rickets, X-Linked Dominant; Hypophosphatemia, vitamin D-resistant rickets; Vitamin D-resistant rickets, X-linked. Identifiers: Orphanet 89936, MedGen C0733682, MONDO:0010619, OMIM 307800.

Submissions (3):

Genesolutions, Medical Genetics Institutes, Ho Chi Minh City, Vietnam
Classification: Pathogenic for Familial X-linked hypophosphatemic vitamin D refractory rickets. Last evaluated: 2025-09-24. Review status: criteria provided, single submitter. Criteria: ACMG Guidelines, 2015. Collection method: clinical testing. Allele origin: germline. Affected: yes.

Labcorp Genetics (formerly Invitae), Labcorp
Classification: Pathogenic. Last evaluated: 2025-05-21. Review status: criteria provided, single submitter. Criteria: Invitae Variant Classification Sherloc (09022015). Collection method: clinical testing. Allele origin: germline.
Comment: This sequence change creates a premature translational stop signal (p.Trp403*) in the PHEX gene. It is expected to result in an absent or disrupted protein product. Loss-of-function variants in PHEX are known to be pathogenic (PMID: 9097956, 9106524, 19219621). This variant is not present in population databases (gnomAD no frequency). This premature translational stop signal has been observed in individuals with hypophosphatemia (PMID: 9097956, 30920082). ClinVar contains an entry for this variant (Variation ID: 265503). Algorithms developed to predict the effect of variants on gene product structure and function are not available or were not evaluated for this variant. Experimental studies have shown that this premature translational stop signal affects PHEX function (PMID: 30920082). For these reasons, this variant has been classified as Pathogenic.

GeneDx
Classification: Pathogenic. Last evaluated: 2018-07-11. Review status: criteria provided, single submitter. Criteria: GeneDx Variant Classification (06012015). Collection method: clinical testing. Allele origin: germline. Affected: yes.
Comment: The W403X pathogenic variant in the PHEX gene has been reported previously in association with hypophosphatemic rickets (Rowe et al., 1997; Popowska et al., 2001). This variant is predicted to cause loss of normal protein function either through protein truncation or nonsense-mediated mRNA decay. The W403X variant was not observed in approximately 6,500 individuals of European and African American ancestry in the NHLBI Exome Sequencing Project, indicating it is not a common benign variant in these populations. We interpret W403X as a pathogenic variant.

Literature cited by the submitters: PubMed 9097956 (cited by Labcorp Genetics (formerly Invitae), Labcorp); PubMed 9106524 (cited by Labcorp Genetics (formerly Invitae), Labcorp); PubMed 19219621 (cited by Labcorp Genetics (formerly Invitae), Labcorp); PubMed 30920082 (cited by Labcorp Genetics (formerly Invitae), Labcorp).

NM_000444.6(PHEX):c.1209G>A (p.Trp403Ter)

Gene: PHEX (phosphate regulating endopeptidase X-linked; plus strand). Cytogenetic location: Xp22.11.
Variant type: single nucleotide variant.
Coding change: c.1209G>A on transcript NM_000444.6 (MANE Select); coding-DNA position 1209, G replaced by A.
Protein change: p.Trp403Ter; replaces tryptophan 403 with a stop codon.
Molecular consequence: nonsense.
Genome position (GRCh38, 1-based): chrX:22,114,493, G>A. VCF-style: chrX-22114493-G-A. GRCh37 (hg19) VCF-style: chrX-22132611-G-A.
Other names: c.1209G>A, p.Trp403Ter (NM_001282754.2); short protein forms W403*.
Identifiers: ClinVar variation 265503 (VCV000265503.10), dbSNP rs886039584, ClinGen allele CA10588761.